The following is an entry in ClinVar:

NM_003906.5(MCM3AP):c.229C>T (p.Gln77Ter)

Gene: MCM3AP (minichromosome maintenance complex component 3 associated protein; minus strand). Cytogenetic location: 21q22.3.
Variant type: single nucleotide variant.
Coding change: c.229C>T on transcript NM_003906.5 (MANE Select); coding-DNA position 229, C replaced by T.
Protein change: p.Gln77Ter; replaces glutamine 77 with a stop codon.
Molecular consequence: nonsense.
Genome position (GRCh38, 1-based): chr21:46,285,058, G>A on the plus strand (C>T on the coding strand, the complement: MCM3AP is on the minus strand). VCF-style: chr21-46285058-G-A. GRCh37 (hg19) VCF-style: chr21-47704972-G-A.
Other names: short protein forms Q77*.
Identifiers: ClinVar variation 3609816 (VCV003609816.2).

ClinVar aggregate classification (germline): Pathogenic (1 of 4 stars; one submission).

Submission:

Labcorp Genetics (formerly Invitae), Labcorp
Classification: Pathogenic. Last evaluated: 2024-03-26. Review status: criteria provided, single submitter. Criteria: Invitae Variant Classification Sherloc (09022015). Collection method: clinical testing. Allele origin: germline.
Comment: This sequence change creates a premature translational stop signal (p.Gln77*) in the MCM3AP gene. It is expected to result in an absent or disrupted protein product. Loss-of-function variants in MCM3AP are known to be pathogenic (PMID: 28633435). This variant is not present in population databases (gnomAD no frequency). This variant has not been reported in the literature in individuals affected with MCM3AP-related conditions. For these reasons, this variant has been classified as Pathogenic.

Literature cited by the submitters: PubMed 28633435.